The following is an entry in ClinVar:

ClinVar aggregate classification (germline): Conflicting classifications of pathogenicity. Review status: criteria provided, conflicting classifications (1 of 4 stars). 2 submissions from 2 submitters: Uncertain significance (1); Likely benign (1). Last evaluated 2025-12-01.

gnomAD v4.1: 8 of 1,594,940 alleles (0.0005%); highest among the groups gnomAD compares: Middle Eastern, 0.017%; no homozygotes.

Submissions (2):

CeGaT Center for Human Genetics Tuebingen
Classification: Likely benign. Last evaluated: 2025-12-01. Review status: criteria provided, single submitter. Criteria: CeGaT Center For Human Genetics Tuebingen Variant Classification Criteria Version 2. Collection method: clinical testing. Allele origin: germline. Affected: yes. Observed: 1 variant allele.
Comment: STAG1: BP4

Labcorp Genetics (formerly Invitae), Labcorp
Classification: Uncertain significance. Last evaluated: 2024-05-22. Review status: criteria provided, single submitter. Criteria: Invitae Variant Classification Sherloc (09022015). Collection method: clinical testing. Allele origin: germline.
Comment: This sequence change replaces histidine, which is basic and polar, with arginine, which is basic and polar, at codon 1140 of the STAG1 protein (p.His1140Arg). This variant is not present in population databases (gnomAD no frequency). This variant has not been reported in the literature in individuals affected with STAG1-related conditions. Advanced modeling of protein sequence and biophysical properties (such as structural, functional, and spatial information, amino acid conservation, physicochemical variation, residue mobility, and thermodynamic stability) performed at Invitae indicates that this missense variant is not expected to disrupt STAG1 protein function with a negative predictive value of 95%. In summary, the available evidence is currently insufficient to determine the role of this variant in disease. Therefore, it has been classified as a Variant of Uncertain Significance.

NM_005862.3(STAG1):c.3419A>G (p.His1140Arg)

Gene: STAG1 (STAG1 cohesin complex component; minus strand). Cytogenetic location: 3q22.3.
Variant type: single nucleotide variant.
Coding change: c.3419A>G on transcript NM_005862.3 (MANE Select); coding-DNA position 3419, A replaced by G.
Protein change: p.His1140Arg; replaces histidine 1140 with arginine.
Molecular consequence: missense variant.
Genome position (GRCh38, 1-based): chr3:136,343,859, T>C on the plus strand (A>G on the coding strand, the complement: STAG1 is on the minus strand). VCF-style: chr3-136343859-T-C. GRCh37 (hg19) VCF-style: chr3-136062701-T-C.
Other names: short protein forms H1140R.
Identifiers: ClinVar variation 3691406 (VCV003691406.6).